The following is an entry in ClinVar:

NM_002906.4(RDX):c.1567C>T (p.Arg523Cys)

Gene: RDX (radixin; minus strand). Cytogenetic location: 11q22.3.
Variant type: single nucleotide variant.
Coding change: c.1567C>T on transcript NM_002906.4 (MANE Select); coding-DNA position 1567, C replaced by T.
Protein change: p.Arg523Cys; replaces arginine 523 with cysteine.
Molecular consequence: missense variant. On other transcripts: intron variant (1).
Genome position (GRCh38, 1-based): chr11:110,233,257, G>A on the plus strand (C>T on the coding strand, the complement: RDX is on the minus strand). VCF-style: chr11-110233257-G-A. GRCh37 (hg19) VCF-style: chr11-110103982-G-A.
Other names: c.1567C>T, p.Arg523Cys (NM_001260492.2, NM_001260493.2); c.1159C>T, p.Arg387Cys (NM_001260494.2); c.526C>T, p.Arg176Cys (NM_001260495.2); c.405-1253C>T (NM_001260496.2); short protein forms R176C, R387C, R523C.
Identifiers: ClinVar variation 3769955 (VCV003769955.1).

ClinVar aggregate classification (germline): Uncertain significance (1 of 4 stars; one submission).

gnomAD v4.1: 11 of 1,613,152 alleles (0.00068%); highest among the groups gnomAD compares: Admixed American, 0.0017%; no homozygotes.

Submission:

GeneDx
Classification: Uncertain significance. Last evaluated: 2024-09-11. Review status: criteria provided, single submitter. Criteria: GeneDx Variant Classification Process June 2021. Collection method: clinical testing. Allele origin: germline. Affected: yes.
Comment: Not observed at significant frequency in large population cohorts (gnomAD); In silico analysis supports that this missense variant has a deleterious effect on protein structure/function; Has not been previously published as pathogenic or benign to our knowledge